The following is an entry in ClinVar:

NM_018149.7(SMG8):c.259G>T (p.Asp87Tyr)

Gene: SMG8 (SMG8 nonsense mediated mRNA decay factor; plus strand). Cytogenetic location: 17q22.
Variant type: single nucleotide variant.
Coding change: c.259G>T on transcript NM_018149.7 (MANE Select); coding-DNA position 259, G replaced by T.
Protein change: p.Asp87Tyr; replaces aspartic acid 87 with tyrosine.
Molecular consequence: missense variant.
Genome position (GRCh38, 1-based): chr17:59,210,310, G>T. VCF-style: chr17-59210310-G-T. GRCh37 (hg19) VCF-style: chr17-57287671-G-T.
Other names: short protein forms D87Y.
Identifiers: ClinVar variation 3446331 (VCV003446331.2).

ClinVar aggregate classification (germline): Uncertain significance. Review status: criteria provided, multiple submitters, no conflicts (2 of 4 stars). 2 submissions from 2 submitters: Uncertain significance (2). Last evaluated 2025-07-19.

Conditions:
Inborn genetic diseases. Identifiers: MedGen C0950123, MeSH D030342.

gnomAD v4.1: 51 of 1,613,004 alleles (0.0032%); highest among the groups gnomAD compares: African/African-American, 0.061%; no homozygotes.

Submissions (2):

GeneDx
Classification: Uncertain significance. Last evaluated: 2025-07-19. Review status: criteria provided, single submitter. Criteria: GeneDx Variant Classification Process June 2021. Collection method: clinical testing. Allele origin: germline. Affected: yes.
Comment: In silico analysis suggests that this missense variant does not alter protein structure/function; Has not been previously published as pathogenic or benign to our knowledge

Ambry Genetics
Classification: Uncertain significance for Inborn genetic diseases. Last evaluated: 2024-07-14. Review status: criteria provided, single submitter. Criteria: Ambry Variant Classification Scheme 2023. Collection method: clinical testing. Allele origin: germline.